The following is an entry in ClinVar:

ClinVar aggregate classification (germline): Uncertain significance. Review status: criteria provided, multiple submitters, no conflicts (2 of 4 stars). 2 submissions from 2 submitters: Uncertain significance (2). Last evaluated 2023-06-06.

Conditions:
Inborn genetic diseases. Identifiers: MedGen C0950123, MeSH D030342.

Allele frequency attached by ClinVar (database versions not stated): gnomAD 0.00001; TOPMed 0.00001; gnomAD exomes 0.00002; ExAC 0.00004.

Submissions (2):

Ambry Genetics
Classification: Uncertain significance for Inborn genetic diseases. Last evaluated: 2023-06-06. Review status: criteria provided, single submitter. Criteria: Ambry Variant Classification Scheme 2023. Collection method: clinical testing. Allele origin: germline.

Labcorp Genetics (formerly Invitae), Labcorp
Classification: Uncertain significance. Last evaluated: 2022-05-30. Review status: criteria provided, single submitter. Criteria: Invitae Variant Classification Sherloc (09022015). Collection method: clinical testing. Allele origin: germline.
Comment: In summary, the available evidence is currently insufficient to determine the role of this variant in disease. Therefore, it has been classified as a Variant of Uncertain Significance. Algorithms developed to predict the effect of missense changes on protein structure and function are either unavailable or do not agree on the potential impact of this missense change (SIFT: "Not Available"; PolyPhen-2: "Probably Damaging"; Align-GVGD: "Not Available"). This variant has not been reported in the literature in individuals affected with SLC9A3-related conditions. The frequency data for this variant in the population databases is considered unreliable, as metrics indicate poor data quality at this position in the gnomAD database. This sequence change replaces glycine, which is neutral and non-polar, with serine, which is neutral and polar, at codon 164 of the SLC9A3 protein (p.Gly164Ser).

NM_004174.4(SLC9A3):c.490G>A (p.Gly164Ser)

Gene: SLC9A3 (solute carrier family 9 member A3). Cytogenetic location: 5p15.33.
Variant type: single nucleotide variant.
Coding change: c.490G>A on transcript NM_004174.4 (MANE Select); coding-DNA position 490, G replaced by A.
Protein change: p.Gly164Ser; replaces glycine 164 with serine.
Molecular consequence: missense variant.
Genome position (GRCh38, 1-based): chr5:491,793, C>T on the plus strand (G>A on the coding strand, the complement: SLC9A3 is on the minus strand). VCF-style: chr5-491793-C-T. GRCh37 (hg19) VCF-style: chr5-491908-C-T.
Other names: c.490G>A, p.Gly164Ser (NM_001284351.3); c.490G>A (NM_004174.2); short protein forms G164S.
Identifiers: ClinVar variation 1943072 (VCV001943072.6), dbSNP rs781351234, ClinGen allele CA3176324.